The following is an entry in ClinVar:

ClinVar aggregate classification (germline): Uncertain significance. Review status: criteria provided, multiple submitters, no conflicts (2 of 4 stars). 4 submissions from 4 submitters: Uncertain significance (4). Last evaluated 2025-09-12.

Conditions:
Inborn genetic diseases. Identifiers: MedGen C0950123, MeSH D030342.

Allele frequency attached by ClinVar (database versions not stated): TOPMed 0.00001; gnomAD exomes below 0.00001; gnomAD 0.00001.
gnomAD v4.1: 3 of 1,613,314 alleles (0.00019%); highest among the groups gnomAD compares: Admixed American, 0.0017%; no homozygotes.

Submissions (4):

Dasa
Classification: Uncertain significance. Last evaluated: 2025-09-12. Review status: criteria provided, single submitter. Criteria: DASA Assertion Criteria. Collection method: clinical testing. Allele origin: germline.
Comment: NM_001170629.2(CHD8):c.6722A>G (p.Lys2241Arg) is a missense variant that results in the substitution of lysine with arginine. This variant is rare in population databases. Computational prediction algorithms are consistent with a benign effect. The currently available literature and clinical evidence are not sufficient to establish a definitive association between this variant and the reported condition. Therefore, this variant is classified as a variant of uncertain significance.

Labcorp Genetics (formerly Invitae), Labcorp
Classification: Uncertain significance. Last evaluated: 2023-04-07. Review status: criteria provided, single submitter. Criteria: Invitae Variant Classification Sherloc (09022015). Collection method: clinical testing. Allele origin: germline.
Comment: ClinVar contains an entry for this variant (Variation ID: 2235657). This variant has not been reported in the literature in individuals affected with CHD8-related conditions. This variant is not present in population databases (gnomAD no frequency). This sequence change replaces lysine, which is basic and polar, with arginine, which is basic and polar, at codon 2241 of the CHD8 protein (p.Lys2241Arg). Advanced modeling of protein sequence and biophysical properties (such as structural, functional, and spatial information, amino acid conservation, physicochemical variation, residue mobility, and thermodynamic stability) performed at Invitae indicates that this missense variant is not expected to disrupt CHD8 protein function. In summary, the available evidence is currently insufficient to determine the role of this variant in disease. Therefore, it has been classified as a Variant of Uncertain Significance.

GeneDx
Classification: Uncertain significance. Last evaluated: 2023-03-31. Review status: criteria provided, single submitter. Criteria: GeneDx Variant Classification Process June 2021. Collection method: clinical testing. Allele origin: germline. Affected: yes.
Comment: Not observed at significant frequency in large population cohorts (gnomAD); In silico analysis supports that this missense variant does not alter protein structure/function; Has not been previously published as pathogenic or benign to our knowledge

Ambry Genetics
Classification: Uncertain significance for Inborn genetic diseases. Last evaluated: 2021-07-09. Review status: criteria provided, single submitter. Criteria: Ambry Variant Classification Scheme 2023. Collection method: clinical testing. Allele origin: germline.

NM_001170629.2(CHD8):c.6722A>G (p.Lys2241Arg)

Gene: CHD8 (chromodomain helicase DNA binding protein 8; minus strand). Cytogenetic location: 14q11.2.
Variant type: single nucleotide variant.
Coding change: c.6722A>G on transcript NM_001170629.2 (MANE Select); coding-DNA position 6722, A replaced by G.
Protein change: p.Lys2241Arg; replaces lysine 2241 with arginine.
Molecular consequence: missense variant.
Genome position (GRCh38, 1-based): chr14:21,392,556, T>C on the plus strand (A>G on the coding strand, the complement: CHD8 is on the minus strand). VCF-style: chr14-21392556-T-C. GRCh37 (hg19) VCF-style: chr14-21860715-T-C.
Other names: c.5885A>G, p.Lys1962Arg (NM_020920.4); short protein forms K1962R, K2241R.
Identifiers: ClinVar variation 2235657 (VCV002235657.8), dbSNP rs1887594560, ClinGen allele CA388878287.